The following is an entry in ClinVar:

NM_001394372.1(BICRA):c.458C>T (p.Ala153Val)

Gene: BICRA (BRD4 interacting chromatin remodeling complex associated protein; plus strand). Cytogenetic location: 19q13.33.
Variant type: single nucleotide variant.
Coding change: c.458C>T on transcript NM_001394372.1 (MANE Select); coding-DNA position 458, C replaced by T.
Protein change: p.Ala153Val; replaces alanine 153 with valine.
Molecular consequence: missense variant.
Genome position (GRCh38, 1-based): chr19:47,679,628, C>T. VCF-style: chr19-47679628-C-T. GRCh37 (hg19) VCF-style: chr19-48182885-C-T.
Other names: c.458C>T, p.Ala153Val (NM_015711.3); short protein forms A153V.
Identifiers: ClinVar variation 1315590 (VCV001315590.2), dbSNP rs2123584873, ClinGen allele CA406609226.

ClinVar aggregate classification (germline): Uncertain significance (1 of 4 stars; one submission).

Allele frequency attached by ClinVar (database versions not stated): gnomAD exomes below 0.00001.

Submission:

GeneDx
Classification: Uncertain significance. Last evaluated: 2021-04-07. Review status: criteria provided, single submitter. Criteria: GeneDx Variant Classification Process June 2021. Collection method: clinical testing. Allele origin: germline. Affected: yes.
Comment: Not observed in large population cohorts (Lek et al., 2016); In silico analysis supports that this missense variant does not alter protein structure/function; Has not been previously published as pathogenic or benign to our knowledge